The following is an entry in ClinVar:

NM_006648.4(WNK2):c.2282C>T (p.Pro761Leu)

Gene: WNK2 (WNK lysine deficient protein kinase 2; plus strand). Cytogenetic location: 9q22.31.
Variant type: single nucleotide variant.
Coding change: c.2282C>T on transcript NM_006648.4 (MANE Select); coding-DNA position 2282, C replaced by T.
Protein change: p.Pro761Leu; replaces proline 761 with leucine.
Molecular consequence: missense variant.
Genome position (GRCh38, 1-based): chr9:93,257,039, C>T. VCF-style: chr9-93257039-C-T. GRCh37 (hg19) VCF-style: chr9-96019321-C-T.
Other names: c.2282C>T, p.Pro761Leu (NM_001282394.3); short protein forms P761L.
Identifiers: ClinVar variation 3190622 (VCV003190622.2), dbSNP rs757872385, ClinGen allele CA5129574.

ClinVar aggregate classification (germline): Uncertain significance (1 of 4 stars; one submission).

Allele frequency attached by ClinVar (database versions not stated): ExAC 0.00001; TOPMed 0.00004.
gnomAD v4.1: 11 of 1,604,480 alleles (0.00069%); highest among the groups gnomAD compares: East Asian, 0.0022%; no homozygotes.

Submission:

Ambry Genetics
Classification: Uncertain significance. Last evaluated: 2024-11-21. Review status: criteria provided, single submitter. Criteria: Ambry Variant Classification Scheme 2023. Collection method: clinical testing. Allele origin: germline.
Comment: The p.P761L variant (also known as c.2282C>T), located in coding exon 10 of the WNK2 gene, results from a C to T substitution at nucleotide position 2282. The proline at codon 761 is replaced by leucine, an amino acid with similar properties. This amino acid position is conserved. In addition, this alteration is predicted to be tolerated by in silico analysis. Based on the available evidence, the clinical significance of this variant remains unclear.